The following is an entry in ClinVar:

ClinVar aggregate classification (germline): Uncertain significance (1 of 4 stars; one submission).

Conditions:
Glycogen storage disease, type II (IOPD). Also called: Pompe Disease; Glycogen storage disease type 2; Acid maltase deficiency disease; Aglucosidase alfa; Deficiency of alpha-glucosidase; Deficiency of lysosomal alpha-glucosidase. Identifiers: Orphanet 365, MedGen C0017921, MONDO:0009290, OMIM 232300.

Submission:

Labcorp Genetics (formerly Invitae), Labcorp
Classification: Uncertain significance for Glycogen storage disease, type II. Last evaluated: 2021-10-24. Review status: criteria provided, single submitter. Criteria: Invitae Variant Classification Sherloc (09022015). Collection method: clinical testing. Allele origin: germline.
Comment: This sequence change replaces methionine, which is neutral and non-polar, with isoleucine, which is neutral and non-polar, at codon 318 of the GAA protein (p.Met318Ile). This variant is not present in population databases (gnomAD no frequency). This variant has not been reported in the literature in individuals affected with GAA-related conditions. Algorithms developed to predict the effect of missense changes on protein structure and function are either unavailable or do not agree on the potential impact of this missense change (SIFT: "Tolerated"; PolyPhen-2: "Possibly Damaging"; Align-GVGD: "Class C0"). This variant disrupts the p.Met318 amino acid residue in GAA. Other variant(s) that disrupt this residue have been determined to be pathogenic (PMID: 1652892, 19862843, 29122469, 29181627). This suggests that this residue is clinically significant, and that variants that disrupt this residue are likely to be disease-causing. In summary, the available evidence is currently insufficient to determine the role of this variant in disease. Therefore, it has been classified as a Variant of Uncertain Significance.

Literature cited by the submitters: PubMed 1652892; PubMed 19862843; PubMed 29122469; PubMed 29181627.

NM_000152.5(GAA):c.954G>A (p.Met318Ile)

Gene: GAA (alpha glucosidase; plus strand). Cytogenetic location: 17q25.3.
Variant type: single nucleotide variant.
Coding change: c.954G>A on transcript NM_000152.5 (MANE Select); coding-DNA position 954, G replaced by A.
Protein change: p.Met318Ile; replaces methionine 318 with isoleucine.
Molecular consequence: missense variant.
Genome position (GRCh38, 1-based): chr17:80,107,895, G>A. VCF-style: chr17-80107895-G-A. GRCh37 (hg19) VCF-style: chr17-78081694-G-A.
Other names: c.954G>A, p.Met318Ile (NM_001079803.3, NM_001079804.3); short protein forms M318I.
Identifiers: ClinVar variation 1381370 (VCV001381370.3), dbSNP rs2143850104, ClinGen allele CA401364280.